The following is an entry in ClinVar:

NM_007078.3(LDB3):c.1486T>G (p.Phe496Val)

Gene: LDB3 (LIM domain binding 3; plus strand). Cytogenetic location: 10q23.2.
Variant type: single nucleotide variant.
Coding change: c.1486T>G on transcript NM_007078.3 (MANE Select); coding-DNA position 1486, T replaced by G.
Protein change: p.Phe496Val; replaces phenylalanine 496 with valine.
Molecular consequence: missense variant.
Genome position (GRCh38, 1-based): chr10:86,716,581, T>G. VCF-style: chr10-86716581-T-G. GRCh37 (hg19) VCF-style: chr10-88476338-T-G.
Other names: c.1156T>G, p.Phe386Val (NM_001080114.2); c.1501T>G, p.Phe501Val (NM_001171610.2); c.1297T>G, p.Phe433Val (NM_001368064.1, NM_001368065.1); c.1345T>G, p.Phe449Val (NM_001368066.1); short protein forms F496V, F386V, F449V, F433V, F501V.
Identifiers: ClinVar variation 1437998 (VCV001437998.7), dbSNP rs141652573, ClinGen allele CA5585169.
Genomic context (GRCh38, chr10:86,716,581, plus strand): 5'-GCCTACAGCGGGGGCCCTGCGGAGCCTGCCAGCCGTCCACCCTGGGTGACAGATGATAGC[T>G]TCTCCCAGAAGTTTGCCCCGGGCAAGAGCACCACCTCCATCAGCAAGCAGACCCTGCCCC-3'
Protein context (NP_009009.1, residues 486-506): SRPPWVTDDS[Phe496Val]SQKFAPGKST

ClinVar aggregate classification (germline): Uncertain significance. Review status: criteria provided, multiple submitters, no conflicts (2 of 4 stars). 2 submissions from 2 submitters: Uncertain significance (2). Last evaluated 2024-06-26.

Conditions:
Myofibrillar myopathy 4. Also called: Zaspopathy (type). Identifiers: Orphanet 98912, MedGen C4721886, MONDO:0012277, OMIM 609452.

Allele frequency attached by ClinVar (database versions not stated): TOPMed below 0.00001; gnomAD 0.00001; gnomAD exomes 0.00001; ExAC 0.00002; ESP Exome Variant Server 0.00008.
gnomAD v4.1: 11 of 1,613,400 alleles (0.00068%); highest among the groups gnomAD compares: Non-Finnish European, 0.00068%; no homozygotes.

Submissions (2):

Blueprint Genetics
Classification: Uncertain significance. Last evaluated: 2024-06-26. Review status: criteria provided, single submitter. Criteria: ACMG Guidelines, 2015. Collection method: clinical testing. Allele origin: germline.

Labcorp Genetics (formerly Invitae), Labcorp
Classification: Uncertain significance for Myofibrillar myopathy 4. Last evaluated: 2021-01-16. Review status: criteria provided, single submitter. Criteria: Invitae Variant Classification Sherloc (09022015). Collection method: clinical testing. Allele origin: germline.
Comment: This sequence change replaces phenylalanine with valine at codon 496 of the LDB3 protein (p.Phe496Val). The LDB3 gene has multiple clinically relevant transcripts. This variant occurs in alternate transcript NM_007078.3, and corresponds to NM_001080116.1:c.*17207T>G in the primary transcript. This variant is present in population databases (rs141652573, ExAC 0.005%). This variant has not been reported in the literature in individuals with LDB3-related conditions. Experimental studies and prediction algorithms are not available or were not evaluated, and the functional significance of this variant is currently unknown. In summary, the available evidence is currently insufficient to determine the role of this variant in disease. Therefore, it has been classified as a Variant of Uncertain Significance.